The following is an entry in ClinVar:

NM_001286.5(CLCN6):c.790A>G (p.Ser264Gly)

Gene: CLCN6 (chloride voltage-gated channel 6; plus strand). Cytogenetic location: 1p36.22.
Variant type: single nucleotide variant.
Coding change: c.790A>G on transcript NM_001286.5 (MANE Select); coding-DNA position 790, A replaced by G.
Protein change: p.Ser264Gly; replaces serine 264 with glycine.
Molecular consequence: missense variant. On other transcripts: non-coding transcript variant (1).
Genome position (GRCh38, 1-based): chr1:11,827,171, A>G. VCF-style: chr1-11827171-A-G. GRCh37 (hg19) VCF-style: chr1-11887228-A-G.
Other names: c.724A>G, p.Ser242Gly (NM_001256959.2); short protein forms S242G, S264G.
Identifiers: ClinVar variation 3727455 (VCV003727455.2).
Genomic context (GRCh38, chr1:11,827,171, plus strand): 5'-GCAGGAGCGGCTGCTGGAGTTGCTGCAGCTTTCGGGGCGCCAATCGGGGGTACCTTGTTC[A>G]GTCTAGAGGAGGGTTCGTCCTTCTGGAACCAAGGGCTCACGTGGAAAGTGGTGAGGAGGA-3'
Protein context (NP_001277.2, residues 254-274): FGAPIGGTLF[Ser264Gly]LEEGSSFWNQ

ClinVar aggregate classification (germline): Uncertain significance (1 of 4 stars; one submission).

gnomAD v4.1: 1 of 1,613,882 alleles (0.000062%); highest among the groups gnomAD compares: Non-Finnish European, 0.000085%; no homozygotes.

Submission:

Labcorp Genetics (formerly Invitae), Labcorp
Classification: Uncertain significance. Last evaluated: 2024-09-10. Review status: criteria provided, single submitter. Criteria: Invitae Variant Classification Sherloc (09022015). Collection method: clinical testing. Allele origin: germline.
Comment: This sequence change replaces serine, which is neutral and polar, with glycine, which is neutral and non-polar, at codon 264 of the CLCN6 protein (p.Ser264Gly). This variant is not present in population databases (gnomAD no frequency). This variant has not been reported in the literature in individuals affected with CLCN6-related conditions. An algorithm developed to predict the effect of missense changes on protein structure and function (PolyPhen-2) suggests that this variant is likely to be disruptive. In summary, the available evidence is currently insufficient to determine the role of this variant in disease. Therefore, it has been classified as a Variant of Uncertain Significance.